The following is an entry in ClinVar:

ClinVar aggregate classification (germline): Uncertain significance (1 of 4 stars; one submission).

Submission:

Ambry Genetics
Classification: Uncertain significance. Last evaluated: 2024-02-22. Review status: criteria provided, single submitter. Criteria: Ambry Variant Classification Scheme 2023. Collection method: clinical testing. Allele origin: germline.
Comment: The p.Q150R variant (also known as c.449A>G), located in coding exon 4 of the RASA2 gene, results from an A to G substitution at nucleotide position 449. The glutamine at codon 150 is replaced by arginine, an amino acid with highly similar properties. This amino acid position is conserved. In addition, this alteration is predicted to be deleterious by in silico analysis. Based on the available evidence, the clinical significance of this alteration remains unclear.

NM_006506.5(RASA2):c.449A>G (p.Gln150Arg)

Gene: RASA2 (RAS p21 protein activator 2; plus strand). Cytogenetic location: 3q23.
Variant type: single nucleotide variant.
Coding change: c.449A>G on transcript NM_006506.5 (MANE Select); coding-DNA position 449, A replaced by G.
Protein change: p.Gln150Arg; replaces glutamine 150 with arginine.
Molecular consequence: missense variant.
Genome position (GRCh38, 1-based): chr3:141,529,801, A>G. VCF-style: chr3-141529801-A-G. GRCh37 (hg19) VCF-style: chr3-141248643-A-G.
Other names: c.449A>G, p.Gln150Arg (NM_001303245.3, NM_001303246.3); short protein forms Q150R.
Identifiers: ClinVar variation 3225608 (VCV003225608.1), dbSNP rs2478525518, ClinGen allele CA354772205.